The following is an entry in ClinVar:

NM_138694.4(PKHD1):c.11006C>T (p.Ser3669Leu)

Gene: PKHD1 (PKHD1 ciliary IPT domain containing fibrocystin/polyductin; minus strand). Cytogenetic location: 6p12.3.
Variant type: single nucleotide variant.
Coding change: c.11006C>T on transcript NM_138694.4 (MANE Select); coding-DNA position 11006, C replaced by T.
Protein change: p.Ser3669Leu; replaces serine 3669 with leucine.
Molecular consequence: missense variant.
Genome position (GRCh38, 1-based): chr6:51,659,120, G>A on the plus strand (C>T on the coding strand, the complement: PKHD1 is on the minus strand). VCF-style: chr6-51659120-G-A. GRCh37 (hg19) VCF-style: chr6-51523918-G-A.
Other names: c.11006C>T (NM_138694.3); short protein forms S3669L.
Identifiers: ClinVar variation 2191632 (VCV002191632.5), dbSNP rs554782195, ClinGen allele CA3850973.

ClinVar aggregate classification (germline): Uncertain significance. Review status: criteria provided, multiple submitters, no conflicts (2 of 4 stars). 5 submissions from 5 submitters: Uncertain significance (4). 1 of the submissions does not count toward it. Last evaluated 2024-04-08.

Conditions:
Autosomal recessive polycystic kidney disease (ARPKD). Also called: AR polycystic kidney disease. Identifiers: Orphanet 731, Orphanet 8378, MedGen C0085548, MeSH D017044, MONDO:0009889.
PKHD1-related disorder. Also called: PKHD1-related condition.
Polycystic kidney disease 4 (PKD4). Also called: POLYCYSTIC KIDNEY DISEASE 4 WITH OR WITHOUT POLYCYSTIC LIVER DISEASE; PKD3; Autosomal Recessive Polycystic Kidney Disease – PKHD1; POLYCYSTIC KIDNEY AND HEPATIC DISEASE 1; POLYCYSTIC KIDNEY DISEASE, INFANTILE, TYPE I. Identifiers: MedGen C4540575, MONDO:0033004, OMIM 263200.

Allele frequency attached by ClinVar (database versions not stated): TOPMed 0.00005; ExAC 0.00006; gnomAD 0.00008; gnomAD exomes 0.00008; 1000 Genomes Project 30x 0.00016; 1000 Genomes Project 0.00020.
gnomAD v4.1: 125 of 1,613,776 alleles (0.0077%); highest among the groups gnomAD compares: South Asian, 0.025%; no homozygotes.

Submissions (5):

Blueprint Genetics
Classification: Uncertain significance. Last evaluated: 2024-04-08. Review status: criteria provided, single submitter. Criteria: ACMG Guidelines, 2015. Collection method: clinical testing. Allele origin: germline.

Revvity Omics, Revvity
Classification: Uncertain significance for Polycystic kidney disease 4. Last evaluated: 2024-03-26. Review status: criteria provided, single submitter. Criteria: ACMG Guidelines, 2015. Collection method: clinical testing. Allele origin: germline.

Fulgent Genetics
Classification: Uncertain significance for Polycystic kidney disease 4. Last evaluated: 2024-03-07. Review status: criteria provided, single submitter. Criteria: ACMG Guidelines, 2015. Collection method: clinical testing. Allele origin: germline.

Labcorp Genetics (formerly Invitae), Labcorp
Classification: Uncertain significance for Autosomal recessive polycystic kidney disease. Last evaluated: 2022-05-19. Review status: criteria provided, single submitter. Criteria: Invitae Variant Classification Sherloc (09022015). Collection method: clinical testing. Allele origin: germline.
Comment: This sequence change replaces serine, which is neutral and polar, with leucine, which is neutral and non-polar, at codon 3669 of the PKHD1 protein (p.Ser3669Leu). This variant is present in population databases (rs554782195, gnomAD 0.02%). This variant has not been reported in the literature in individuals affected with PKHD1-related conditions. Advanced modeling of protein sequence and biophysical properties (such as structural, functional, and spatial information, amino acid conservation, physicochemical variation, residue mobility, and thermodynamic stability) performed at Invitae indicates that this missense variant is not expected to disrupt PKHD1 protein function. In summary, the available evidence is currently insufficient to determine the role of this variant in disease. Therefore, it has been classified as a Variant of Uncertain Significance.

PreventionGenetics, part of Exact Sciences
Classification: Uncertain significance for PKHD1-related condition. Last evaluated: 2024-08-09. Review status: no assertion criteria provided. Collection method: clinical testing. Allele origin: germline. Not counted in ClinVar's aggregate classification.
Comment: The PKHD1 c.11006C>T variant is predicted to result in the amino acid substitution p.Ser3669Leu. To our knowledge, this variant has not been reported in the literature. This variant is reported in 0.023% of alleles in individuals of South Asian descent in gnomAD. At this time, the clinical significance of this variant is uncertain due to the absence of conclusive functional and genetic evidence.